The following is an entry in ClinVar:

ClinVar aggregate classification (germline): Uncertain significance (1 of 4 stars; one submission).

Conditions:
Dystonia 12 (DYT12). Also called: DYT-ATP1A3; Rapid-Onset Dystonia-Parkinsonism (RDP). Identifiers: Orphanet 71517, MedGen C1868681, MONDO:0007496, OMIM 128235.

gnomAD v4.1: 4 of 1,614,076 alleles (0.00025%); highest among the groups gnomAD compares: South Asian, 0.0011%; no homozygotes.

Submission:

Labcorp Genetics (formerly Invitae), Labcorp
Classification: Uncertain significance for Dystonia 12. Last evaluated: 2025-01-27. Review status: criteria provided, single submitter. Criteria: Invitae Variant Classification Sherloc (09022015). Collection method: clinical testing. Allele origin: germline.
Comment: This sequence change replaces glutamic acid, which is acidic and polar, with lysine, which is basic and polar, at codon 670 of the ATP1A3 protein (p.Glu670Lys). This variant is present in population databases (rs782439924, gnomAD 0.002%). This variant has not been reported in the literature in individuals affected with ATP1A3-related conditions. Invitae Evidence Modeling of protein sequence and biophysical properties (such as structural, functional, and spatial information, amino acid conservation, physicochemical variation, residue mobility, and thermodynamic stability) indicates that this missense variant is expected to disrupt ATP1A3 protein function with a positive predictive value of 80%. In summary, the available evidence is currently insufficient to determine the role of this variant in disease. Therefore, it has been classified as a Variant of Uncertain Significance.

NM_152296.5(ATP1A3):c.2008G>A (p.Glu670Lys)

Gene: ATP1A3 (ATPase Na+/K+ transporting subunit alpha 3; minus strand). Cytogenetic location: 19q13.2.
Variant type: single nucleotide variant.
Coding change: c.2008G>A on transcript NM_152296.5 (MANE Select); coding-DNA position 2008, G replaced by A.
Protein change: p.Glu670Lys; replaces glutamic acid 670 with lysine.
Molecular consequence: missense variant.
Genome position (GRCh38, 1-based): chr19:41,976,502, C>T on the plus strand (G>A on the coding strand, the complement: ATP1A3 is on the minus strand). VCF-style: chr19-41976502-C-T. GRCh37 (hg19) VCF-style: chr19-42480654-C-T.
Other names: c.2041G>A, p.Glu681Lys (NM_001256213.2); c.2047G>A, p.Glu683Lys (NM_001256214.2); short protein forms E670K, E681K, E683K.
Identifiers: ClinVar variation 3705335 (VCV003705335.2).